The following is an entry in ClinVar:

ClinVar aggregate classification (germline): Pathogenic (1 of 4 stars; one submission).

Conditions:
L-2-hydroxyglutaric aciduria (L2HGA). Identifiers: Orphanet 79314, MedGen C1855995, MONDO:0009370, OMIM 236792, HP:0040144.

Submission:

Clinical Genetics Laboratory, University Hospital Schleswig-Holstein
Classification: Pathogenic for L-2-hydroxyglutaric aciduria. Last evaluated: 2025-11-11. Review status: criteria provided, single submitter. Criteria: ACMG Guidelines, 2015. Collection method: clinical testing. Allele origin: germline. Affected: yes. Observed: 1 homozygote.
Comment: ACMG criteria applied: PM2, PVS1, PP4

NM_024884.3(L2HGDH):c.242del (p.Lys81fs)

Gene: L2HGDH (L-2-hydroxyglutarate dehydrogenase; minus strand). Cytogenetic location: 14q21.3.
Variant type: Deletion.
Coding change: c.242del on transcript NM_024884.3 (MANE Select); coding-DNA position 242, one base deleted (A; older notation c.242delA).
Protein change: p.Lys81fs; shifts the reading frame from lysine 81.
Molecular consequence: frameshift variant. On other transcripts: 5 prime UTR variant (4).
Genome position (GRCh38, 1-based): chr14:50,302,916, T deleted on the plus strand (A on the coding strand, the reverse complement: L2HGDH is on the minus strand); the first of 4 consecutive T bases (chr14:50,302,916-50,302,919); deleting any one gives the same sequence. VCF-style (leftmost placement, unchanged base first): chr14-50302915-CT-C. GRCh37 (hg19) VCF-style: chr14-50769633-CT-C.
Other names: c.242del, p.Lys81fs (NM_001425212.1); c.131del, p.Lys44fs (NM_001425213.1, NM_001425214.1); c.-384del (NM_001425215.1, NM_001425218.1); c.-305del (NM_001425216.1); c.-462del (NM_001425217.1); short protein forms K44fs, K81fs.
Identifiers: ClinVar variation 4891274 (VCV004891274.1).